The following is an entry in ClinVar:

NM_000038.6(APC):c.4385A>G (p.Lys1462Arg)

Gene: APC (APC regulator of Wnt signaling pathway; plus strand). Cytogenetic location: 5q22.2.
Variant type: single nucleotide variant.
Coding change: c.4385A>G on transcript NM_000038.6 (MANE Select); coding-DNA position 4385, A replaced by G.
Protein change: p.Lys1462Arg; replaces lysine 1462 with arginine.
Molecular consequence: missense variant.
Genome position (GRCh38, 1-based): chr5:112,839,979, A>G. VCF-style: chr5-112839979-A-G. GRCh37 (hg19) VCF-style: chr5-112175676-A-G.
Other names: c.4385A>G, p.Lys1462Arg (NM_001127510.3, NM_001354895.2, NM_001407450.1); c.4331A>G, p.Lys1444Arg (NM_001127511.3); c.4439A>G, p.Lys1480Arg (NM_001354896.2, NM_001407447.1, NM_001407448.1 and 1 more transcripts); c.4415A>G, p.Lys1472Arg (NM_001354897.2); c.4310A>G, p.Lys1437Arg (NM_001354898.2); c.4301A>G, p.Lys1434Arg (NM_001354899.2); c.4262A>G, p.Lys1421Arg (NM_001354900.2); c.4208A>G, p.Lys1403Arg (NM_001354901.2, NM_001407453.1); and 11 more; short protein forms K1078R, K1302R, K1333R, K1379R, K1421R, K1434R, K1452R, K1480R.
Identifiers: ClinVar variation 1740175 (VCV001740175.4), dbSNP rs2149913416, ClinGen allele CA16030932.

ClinVar aggregate classification (germline): Uncertain significance. Review status: criteria provided, multiple submitters, no conflicts (2 of 4 stars). 2 submissions from 2 submitters: Uncertain significance (2). Last evaluated 2024-07-22.

Conditions:
Hereditary cancer-predisposing syndrome. Also called: Hereditary Cancer Syndrome; Hereditary neoplastic syndrome; Neoplastic Syndromes, Hereditary; Tumor predisposition. Identifiers: Orphanet 140162, MedGen C0027672, MeSH D009386, MONDO:0015356.

Allele frequency attached by ClinVar (database versions not stated): gnomAD exomes below 0.00001.
gnomAD v4.1: 1 of 1,614,116 alleles (0.000062%); highest among the groups gnomAD compares: Non-Finnish European, 0.000085%; no homozygotes.

Submissions (2):

Ambry Genetics
Classification: Uncertain significance for Hereditary cancer-predisposing syndrome. Last evaluated: 2024-07-22. Review status: criteria provided, single submitter. Criteria: Ambry Variant Classification Scheme 2023. Collection method: clinical testing. Allele origin: germline.
Comment: The p.K1462R variant (also known as c.4385A>G), located in coding exon 15 of the APC gene, results from an A to G substitution at nucleotide position 4385. The lysine at codon 1462 is replaced by arginine, an amino acid with highly similar properties. This amino acid position is well conserved in available vertebrate species. In addition, in silico predictors for this gene do not accurately predict pathogenicity. Missense alterations in APC are not a common cause of disease (Spier I et al. Genet Med. 2024 Feb;26(2):100992). Since supporting evidence is limited at this time, the clinical significance of this alteration remains unclear.

Color Diagnostics, LLC DBA Color Health
Classification: Uncertain significance for Hereditary cancer-predisposing syndrome. Last evaluated: 2024-07-15. Review status: criteria provided, single submitter. Criteria: ACMG Guidelines, 2015. Collection method: clinical testing. Allele origin: germline.
Comment: This missense variant replaces lysine with arginine at codon 1462 of the APC protein. Computational prediction suggests that this variant may not impact protein structure and function (internally defined REVEL score threshold <= 0.5, PMID: 27666373). To our knowledge, functional studies have not been reported for this variant. This variant has not been reported in individuals affected with APC-related disorders in the literature. This variant has not been identified in the general population by the Genome Aggregation Database (gnomAD). The available evidence is insufficient to determine the role of this variant in disease conclusively. Therefore, this variant is classified as a Variant of Uncertain Significance.